The following is an entry in ClinVar:

ClinVar aggregate classification (germline): Uncertain significance. Review status: criteria provided, multiple submitters, no conflicts (2 of 4 stars). 2 submissions from 2 submitters: Uncertain significance (2). Last evaluated 2023-08-24.

Conditions:
Wilms tumor 1 (WT1). Also called: Wilms tumor, somatic. Identifiers: Orphanet 654, MedGen CN033288, MONDO:0008679, OMIM 194070.
Simpson-Golabi-Behmel syndrome type 1 (SGBS1). Also called: BULLDOG SYNDROME; GPC3-Related Simpson-Golabi-Behmel Syndrome Type 1; SIMPSON DYSMORPHIA SYNDROME; DYSPLASIA GIGANTISM SYNDROME, X-LINKED; GOLABI-ROSEN SYNDROME. Identifiers: Orphanet 373, MedGen C0796154, MONDO:0020602, OMIM 312870.

Submissions (2):

Revvity Omics, Revvity
Classification: Uncertain significance for Simpson-Golabi-Behmel syndrome type 1. Last evaluated: 2023-08-24. Review status: criteria provided, single submitter. Criteria: ACMG Guidelines, 2015. Collection method: clinical testing. Allele origin: germline.

Labcorp Genetics (formerly Invitae), Labcorp
Classification: Uncertain significance for Wilms tumor 1. Last evaluated: 2023-08-17. Review status: criteria provided, single submitter. Criteria: Invitae Variant Classification Sherloc (09022015). Collection method: clinical testing. Allele origin: germline.
Comment: ClinVar contains an entry for this variant (Variation ID: 1039494). In summary, the available evidence is currently insufficient to determine the role of this variant in disease. Therefore, it has been classified as a Variant of Uncertain Significance. Algorithms developed to predict the effect of missense changes on protein structure and function output the following: SIFT: "Not Available"; PolyPhen-2: "Benign"; Align-GVGD: "Not Available". The phenylalanine amino acid residue is found in multiple mammalian species, which suggests that this missense change does not adversely affect protein function. This variant has not been reported in the literature in individuals affected with GPC3-related conditions. This variant is not present in population databases (gnomAD no frequency). This sequence change replaces leucine, which is neutral and non-polar, with phenylalanine, which is neutral and non-polar, at codon 192 of the GPC3 protein (p.Leu192Phe).

NM_004484.4(GPC3):c.576G>C (p.Leu192Phe)

Gene: GPC3 (glypican 3; minus strand). Cytogenetic location: Xq26.2.
Variant type: single nucleotide variant.
Coding change: c.576G>C on transcript NM_004484.4 (MANE Select); coding-DNA position 576, G replaced by C.
Protein change: p.Leu192Phe; replaces leucine 192 with phenylalanine.
Molecular consequence: missense variant.
Genome position (GRCh38, 1-based): chrX:133,753,938, C>G on the plus strand (G>C on the coding strand, the complement: GPC3 is on the minus strand). VCF-style: chrX-133753938-C-G. GRCh37 (hg19) VCF-style: chrX-132887965-C-G.
Other names: c.576G>C, p.Leu192Phe (NM_001164617.2); c.528G>C, p.Leu176Phe (NM_001164618.2); c.414G>C, p.Leu138Phe (NM_001164619.2); short protein forms L176F, L192F, L138F.
Identifiers: ClinVar variation 1039494 (VCV001039494.8), dbSNP rs2071698705, ClinGen allele CA414706321.